The following is an entry in ClinVar:

ClinVar aggregate classification (germline): Uncertain significance. Review status: criteria provided, multiple submitters, no conflicts (2 of 4 stars). 2 submissions from 2 submitters: Uncertain significance (2). Last evaluated 2026-04-23.

gnomAD v4.1: 22 of 1,613,974 alleles (0.0014%); highest among the groups gnomAD compares: African/African-American, 0.027%; no homozygotes.

Submissions (2):

GeneDx
Classification: Uncertain significance. Last evaluated: 2026-04-23. Review status: criteria provided, single submitter. Criteria: GeneDx Variant Classification Process June 2021. Collection method: clinical testing. Allele origin: germline.
Comment: In silico analysis supports that this missense variant has a deleterious effect on protein structure/function; Has not been previously published as pathogenic or benign to our knowledge

Ambry Genetics
Classification: Uncertain significance. Last evaluated: 2024-11-10. Review status: criteria provided, single submitter. Criteria: Ambry Variant Classification Scheme 2023. Collection method: clinical testing. Allele origin: germline.

NM_001379180.1(ESRRB):c.694A>G (p.Lys232Glu)

Gene: ESRRB (estrogen related receptor beta; plus strand). Cytogenetic location: 14q24.3.
Variant type: single nucleotide variant.
Coding change: c.694A>G on transcript NM_001379180.1 (MANE Select); coding-DNA position 694, A replaced by G.
Protein change: p.Lys232Glu; replaces lysine 232 with glutamic acid.
Molecular consequence: missense variant.
Genome position (GRCh38, 1-based): chr14:76,482,603, A>G. VCF-style: chr14-76482603-A-G. GRCh37 (hg19) VCF-style: chr14-76948946-A-G.
Other names: c.646A>G, p.Lys216Glu (NM_001411038.1); c.631A>G, p.Lys211Glu (NM_004452.4); short protein forms K232E, K211E, K216E.
Identifiers: ClinVar variation 3510438 (VCV003510438.2).